The following is an entry in ClinVar:

NM_001211.6(BUB1B):c.1847G>C (p.Arg616Pro)

Gene: BUB1B (BUB1 mitotic checkpoint serine/threonine kinase B; plus strand). Cytogenetic location: 15q15.1.
Variant type: single nucleotide variant.
Coding change: c.1847G>C on transcript NM_001211.6 (MANE Select); coding-DNA position 1847, G replaced by C.
Protein change: p.Arg616Pro; replaces arginine 616 with proline.
Molecular consequence: missense variant.
Genome position (GRCh38, 1-based): chr15:40,206,296, G>C. VCF-style: chr15-40206296-G-C. GRCh37 (hg19) VCF-style: chr15-40498497-G-C.
Other names: short protein forms R616P.
Identifiers: ClinVar variation 1053521 (VCV001053521.11), dbSNP rs556193159, ClinGen allele CA391692523.
Genomic context (GRCh38, chr15:40,206,296, plus strand): 5'-TCAGAAATGTAACAATTTGTCCTAACCCAGAAGACACTTGTGACTTTGCCAGAGCAGCTC[G>C]TTTTGTATCCACTCCTTTTCATGAGATAATGTCCTTGAAGGATCTCCCTTCTGATCCTGA-3'
Protein context (NP_001202.5, residues 606-626): EDTCDFARAA[Arg616Pro]FVSTPFHEIM

ClinVar aggregate classification (germline): Uncertain significance. Review status: criteria provided, multiple submitters, no conflicts (2 of 4 stars). 2 submissions from 2 submitters: Uncertain significance (2). Last evaluated 2025-09-15.

Conditions:
Inborn genetic diseases. Identifiers: MedGen C0950123, MeSH D030342.
Mosaic variegated aneuploidy syndrome 1 (MVA1). Also called: Warburton-Anyane-Yeboa syndrome. Identifiers: Orphanet 1052, MedGen C1850343, MONDO:0009759, OMIM 257300.

Submissions (2):

Labcorp Genetics (formerly Invitae), Labcorp
Classification: Uncertain significance for Mosaic variegated aneuploidy syndrome 1. Last evaluated: 2025-09-15. Review status: criteria provided, single submitter. Criteria: Invitae Variant Classification Sherloc (09022015). Collection method: clinical testing. Allele origin: germline.
Comment: This sequence change replaces arginine, which is basic and polar, with proline, which is neutral and non-polar, at codon 616 of the BUB1B protein (p.Arg616Pro). This variant is not present in population databases (gnomAD no frequency). This variant has not been reported in the literature in individuals affected with BUB1B-related conditions. ClinVar contains an entry for this variant (Variation ID: 1053521). An algorithm developed to predict the effect of missense changes on protein structure and function (PolyPhen-2) suggests that this variant is likely to be disruptive. In summary, the available evidence is currently insufficient to determine the role of this variant in disease. Therefore, it has been classified as a Variant of Uncertain Significance.

Ambry Genetics
Classification: Uncertain significance for Inborn genetic diseases. Last evaluated: 2021-06-20. Review status: criteria provided, single submitter. Criteria: Ambry Variant Classification Scheme 2023. Collection method: clinical testing. Allele origin: germline.
Comment: The p.R616P variant (also known as c.1847G>C), located in coding exon 15 of the BUB1B gene, results from a G to C substitution at nucleotide position 1847. The arginine at codon 616 is replaced by proline, an amino acid with dissimilar properties. This amino acid position is conserved. In addition, this alteration is predicted to be tolerated by in silico analysis. Since supporting evidence is limited at this time, the clinical significance of this alteration remains unclear.